The following is an entry in ClinVar:

NM_004360.5(CDH1):c.2602C>T (p.Arg868Cys)

Gene: CDH1 (cadherin 1; plus strand). Cytogenetic location: 16q22.1.
Variant type: single nucleotide variant.
Coding change: c.2602C>T on transcript NM_004360.5 (MANE Select); coding-DNA position 2602, C replaced by T.
Protein change: p.Arg868Cys; replaces arginine 868 with cysteine.
Molecular consequence: missense variant.
Genome position (GRCh38, 1-based): chr16:68,833,452, C>T. VCF-style: chr16-68833452-C-T. GRCh37 (hg19) VCF-style: chr16-68867355-C-T.
Other names: c.2419C>T, p.Arg807Cys (NM_001317184.2); c.1054C>T, p.Arg352Cys (NM_001317185.2); c.637C>T, p.Arg213Cys (NM_001317186.2); c.2602C>T (LRG_301t1); short protein forms R868C, R807C, R213C, R352C.
Identifiers: ClinVar variation 220695 (VCV000220695.50), dbSNP rs864622630, ClinGen allele CA349826.

ClinVar aggregate classification (germline): Conflicting classifications of pathogenicity. Review status: criteria provided, conflicting classifications (1 of 4 stars). 11 submissions from 11 submitters: Uncertain significance (9); Likely benign (1). 1 of the submissions does not count toward it. Last evaluated 2025-05-23.

Conditions:
Hereditary cancer-predisposing syndrome. Also called: Neoplastic Syndromes, Hereditary; Hereditary Cancer Syndrome; Tumor predisposition; Hereditary neoplastic syndrome. Identifiers: Orphanet 140162, MedGen C0027672, MeSH D009386, MONDO:0015356.
Hereditary diffuse gastric adenocarcinoma (HDGC). Also called: DIFFUSE GASTRIC AND LOBULAR BREAST CANCER SYNDROME. Identifiers: Orphanet 26106, MedGen C1708349, MONDO:0007648, OMIM 137215.
Familial cancer of breast. Also called: Hereditary breast cancer; hereditary breast carcinoma; BREAST CANCER, FAMILIAL. Identifiers: Orphanet 227535, MedGen C0346153, MONDO:0016419, OMIM 114480. Disease mechanism: loss of function.

Allele frequency attached by ClinVar (database versions not stated): gnomAD exomes 0.00001.
gnomAD v4.1: 9 of 1,614,108 alleles (0.00056%); highest among the groups gnomAD compares: East Asian, 0.0022%; no homozygotes.

Submissions (11):

Quest Diagnostics Nichols Institute San Juan Capistrano
Classification: Uncertain significance. Last evaluated: 2025-05-23. Review status: criteria provided, single submitter. Criteria: Quest Diagnostics criteria. Collection method: clinical testing. Allele origin: unknown.
Comment: The CDH1 c.2602C>T (p.Arg868Cys) variant has been reported in the published literature in individuals with a personal or family history of breast cancer (PMID: 33471991 (2021), 36436516 (2023), see also LOVD). This variant has not been reported in large, multi-ethnic general populations (Genome Aggregation Database). Analysis of this variant using bioinformatics tools for the prediction of the effect of amino acid changes on protein structure and function yielded predictions that this variant is damaging. Based on the available information, we are unable to determine the clinical significance of this variant.

Labcorp Genetics (formerly Invitae), Labcorp
Classification: Uncertain significance for Hereditary diffuse gastric adenocarcinoma. Last evaluated: 2025-01-23. Review status: criteria provided, single submitter. Criteria: Invitae Variant Classification Sherloc (09022015). Collection method: clinical testing. Allele origin: germline.
Comment: This sequence change replaces arginine, which is basic and polar, with cysteine, which is neutral and slightly polar, at codon 868 of the CDH1 protein (p.Arg868Cys). This variant is not present in population databases (gnomAD no frequency). This missense change has been observed in individual(s) with clinical features of CDH1-related conditions (PMID: 36436516). ClinVar contains an entry for this variant (Variation ID: 220695). An algorithm developed to predict the effect of missense changes on protein structure and function (PolyPhen-2) suggests that this variant is likely to be disruptive. In summary, the available evidence is currently insufficient to determine the role of this variant in disease. Therefore, it has been classified as a Variant of Uncertain Significance.

Baylor Genetics
Classification: Uncertain significance for Familial cancer of breast. Last evaluated: 2024-01-03. Review status: criteria provided, single submitter. Criteria: ACMG Guidelines, 2015. Collection method: clinical testing. Allele origin: unknown.

Color Diagnostics, LLC DBA Color Health
Classification: Uncertain significance for Hereditary cancer-predisposing syndrome. Last evaluated: 2023-12-05. Review status: criteria provided, single submitter. Criteria: ACMG Guidelines, 2015. Collection method: clinical testing. Allele origin: germline.
Comment: This missense variant replaces arginine with cysteine at codon 868 of the CDH1 protein. To our knowledge, functional studies have not been reported for this variant. In a large breast cancer case-control study, this variant has been observed in 1/60466 cases and 5/53461 unaffected controls (PMID: 33471991). This variant has not been identified in the general population by the Genome Aggregation Database (gnomAD). The available evidence is insufficient to determine the role of this variant in disease conclusively. Therefore, this variant is classified as a Variant of Uncertain Significance.

Ambry Genetics
Classification: Likely benign for Hereditary cancer-predisposing syndrome. Last evaluated: 2023-08-21. Review status: criteria provided, single submitter. Criteria: Ambry Variant Classification Scheme 2023. Collection method: clinical testing. Allele origin: germline.

CeGaT Center for Human Genetics Tuebingen
Classification: Uncertain significance. Last evaluated: 2023-05-01. Review status: criteria provided, single submitter. Criteria: CeGaT Center For Human Genetics Tuebingen Variant Classification Criteria Version 2. Collection method: clinical testing. Allele origin: germline. Affected: yes. Observed: 1 variant allele.
Comment: CDH1: PM2, PP3

Myriad Genetics, Inc.
Classification: Uncertain significance for Hereditary diffuse gastric adenocarcinoma. Last evaluated: 2023-03-03. Review status: criteria provided, single submitter. Criteria: Myriad Autosomal Dominant, Autosomal Recessive and X-Linked Classification Criteria (2023). Collection method: clinical testing. Allele origin: unknown.
Comment: This variant is classified as a variant of uncertain significance as there is insufficient evidence to determine its impact on protein function and/or cancer risk.

GeneDx
Classification: Uncertain significance. Last evaluated: 2022-12-16. Review status: criteria provided, single submitter. Criteria: GeneDx Variant Classification Process June 2021. Collection method: clinical testing. Allele origin: germline. Affected: yes.
Comment: Not observed at significant frequency in large population cohorts (gnomAD); In silico analysis supports that this missense variant has a deleterious effect on protein structure/function; Has not been previously published as pathogenic or benign to our knowledge; This variant is associated with the following publications: (PMID: 15235021, 22850631)

European Reference Network on Genetic Tumour Risk Syndromes (ERN-GENTURIS), i3s - Instituto de Investigação e Inovação em Saúde, University of Porto
Classification: Uncertain significance for Hereditary diffuse gastric adenocarcinoma. Last evaluated: 2022-08-01. Review status: criteria provided, single submitter. Criteria: Lee et al. (Hum Mutat. 2018). Collection method: clinical testing. Allele origin: germline. Inheritance: Autosomal dominant inheritance. Affected: no. Study: ERN GENTURIS.
Comment: PM2 (PMID: 30311375)

Sema4
Classification: Uncertain significance for Hereditary cancer-predisposing syndrome. Last evaluated: 2021-10-15. Review status: criteria provided, single submitter. Criteria: Sema4 Curation Guidelines. Collection method: curation. Allele origin: germline.
Comment: The CDH1 c.2602C>T (p.R868C) variant has been reported in at least one individual with breast cancer and has also been reported in healthy controls (PMID: 33471991). It was not observed in the large and broad cohorts of the Genome Aggregation Database. The variant has been reported in ClinVar (Variation ID: 220695). Functional studies have not been performed, and in silico predictions of the variant's effect on protein function are inconclusive. The evidence is insufficient to meet ACMG/AMP criteria for classifying the variant as benign or pathogenic. Thus, the clinical significance of this variant is currently uncertain.

Counsyl
Classification: Uncertain significance for Hereditary diffuse gastric adenocarcinoma. Last evaluated: 2018-03-23. Review status: no assertion criteria provided. Collection method: clinical testing. Allele origin: unknown. Not counted in ClinVar's aggregate classification.

Literature cited by the submitters: PubMed 36436516 (cited by 3 submitters); PubMed 33471991 (cited by 3 submitters).